The following is an entry in ClinVar:

ClinVar aggregate classification (germline): Likely benign. Review status: criteria provided, multiple submitters, no conflicts (2 of 4 stars). 2 submissions from 2 submitters: Likely benign (2). Last evaluated 2024-05-14.

Conditions:
Tuberous sclerosis syndrome (TSC). Also called: Tuberous Sclerosis Complex; Tuberous sclerosis. Identifiers: Orphanet 805, MedGen C0041341, MONDO:0001734.
Tuberous sclerosis 2 (TSC2). Identifiers: Orphanet 805, MedGen C1860707, MONDO:0013199, OMIM 613254.

gnomAD v4.1: 1 of 1,610,994 alleles (0.000062%); highest among the groups gnomAD compares: Non-Finnish European, 0.000085%; no homozygotes.

Submissions (2):

All of Us Research Program, National Institutes of Health
Classification: Likely benign for Tuberous sclerosis syndrome. Last evaluated: 2024-05-14. Review status: criteria provided, single submitter. Criteria: ACMG Guidelines, 2015. Collection method: clinical testing. Allele origin: germline. Inheritance: Autosomal dominant inheritance. Observed: 1 variant allele, 1 heterozygote.
Comment: This study involves interpretation of variants in research participants for the purpose of population health screening. Participant phenotype was not available at the time of variant classification. Additional details can be found in publication PMID: 35346344, PMCID: PMC8962531

Labcorp Genetics (formerly Invitae), Labcorp
Classification: Likely benign for Tuberous sclerosis 2. Last evaluated: 2023-11-14. Review status: criteria provided, single submitter. Criteria: Invitae Variant Classification Sherloc (09022015). Collection method: clinical testing. Allele origin: germline.

NM_000548.5(TSC2):c.3342C>A (p.Ser1114=)

Gene: TSC2 (TSC complex subunit 2; plus strand). Cytogenetic location: 16p13.3.
Variant type: single nucleotide variant.
Coding change: c.3342C>A on transcript NM_000548.5 (MANE Select); coding-DNA position 3342, C replaced by A.
Protein change: p.Ser1114=; no amino-acid change (serine 1114 retained).
Molecular consequence: synonymous variant.
Genome position (GRCh38, 1-based): chr16:2,079,614, C>A. VCF-style: chr16-2079614-C-A. GRCh37 (hg19) VCF-style: chr16-2129615-C-A.
Other names: c.3210C>A, p.Ser1070= (NM_001077183.3, NM_001370404.1); c.3342C>A, p.Ser1114= (NM_001114382.3); c.3102C>A, p.Ser1034= (NM_001318827.2); c.3066C>A, p.Ser1022= (NM_001318829.2); c.2610C>A, p.Ser870= (NM_001318831.2); c.3243C>A, p.Ser1081= (NM_001318832.2); c.3213C>A, p.Ser1071= (NM_001363528.2, NM_001370405.1, NM_021055.3).
Identifiers: ClinVar variation 1530292 (VCV001530292.9), dbSNP rs755871381, ClinGen allele CA492955286.